The following is an entry in ClinVar:

ClinVar aggregate classification (germline): Uncertain significance. Review status: criteria provided, multiple submitters, no conflicts (2 of 4 stars). 2 submissions from 2 submitters: Uncertain significance (2). Last evaluated 2025-12-29.

Conditions:
Epiphyseal dysplasia, multiple, 2 (EDM2). Also called: COL9A2-Related Multiple Epiphyseal Dysplasia. Identifiers: MedGen C1838429, MONDO:0010844, OMIM 600204.

gnomAD v4.1: 1 of 1,614,188 alleles (0.000062%); no homozygotes.

Submissions (2):

Dasa
Classification: Uncertain significance for Epiphyseal dysplasia, multiple, 2. Last evaluated: 2025-12-29. Review status: criteria provided, single submitter. Criteria: DASA Assertion Criteria. Collection method: clinical testing. Allele origin: germline.
Comment: NM_001852.4(COL9A2):c.965G>T (p.Gly322Val) is a missense variant that results in the substitution of glycine with valine. This variant is rare in population databases. Computational prediction algorithms are consistent with a deleterious effect. The currently available literature and clinical evidence are not sufficient to establish a definitive association between this variant and the reported condition. Therefore, this variant is classified as a variant of uncertain significance.

Labcorp Genetics (formerly Invitae), Labcorp
Classification: Uncertain significance. Last evaluated: 2025-12-29. Review status: criteria provided, single submitter. Criteria: Invitae Variant Classification Sherloc (09022015). Collection method: clinical testing. Allele origin: germline.
Comment: This sequence change replaces glycine, which is neutral and non-polar, with valine, which is neutral and non-polar, at codon 322 of the COL9A2 protein (p.Gly322Val). This variant is not present in population databases (gnomAD no frequency). This variant has not been reported in the literature in individuals affected with COL9A2-related conditions. ClinVar contains an entry for this variant (Variation ID: 2096041). Invitae Evidence Modeling of protein sequence and biophysical properties (such as structural, functional, and spatial information, amino acid conservation, physicochemical variation, residue mobility, and thermodynamic stability) indicates that this missense variant is expected to disrupt COL9A2 protein function with a positive predictive value of 95%. In summary, the available evidence is currently insufficient to determine the role of this variant in disease. Therefore, it has been classified as a Variant of Uncertain Significance.

NM_001852.4(COL9A2):c.965G>T (p.Gly322Val)

Gene: COL9A2 (collagen type IX alpha 2 chain; minus strand). Cytogenetic location: 1p34.2.
Variant type: single nucleotide variant.
Coding change: c.965G>T on transcript NM_001852.4 (MANE Select); coding-DNA position 965, G replaced by T.
Protein change: p.Gly322Val; replaces glycine 322 with valine.
Molecular consequence: missense variant.
Genome position (GRCh38, 1-based): chr1:40,307,489, C>A on the plus strand (G>T on the coding strand, the complement: COL9A2 is on the minus strand). VCF-style: chr1-40307489-C-A. GRCh37 (hg19) VCF-style: chr1-40773161-C-A.
Other names: short protein forms G322V.
Identifiers: ClinVar variation 2096041 (VCV002096041.6), dbSNP rs1644048663, ClinGen allele CA339852440.